The following is an entry in ClinVar:

NM_000426.4(LAMA2):c.8789A>G (p.His2930Arg)

Gene: LAMA2 (laminin subunit alpha 2; plus strand). Cytogenetic location: 6q22.33.
Variant type: single nucleotide variant.
Coding change: c.8789A>G on transcript NM_000426.4 (MANE Select); coding-DNA position 8789, A replaced by G.
Protein change: p.His2930Arg; replaces histidine 2930 with arginine.
Molecular consequence: missense variant.
Genome position (GRCh38, 1-based): chr6:129,507,574, A>G. VCF-style: chr6-129507574-A-G. GRCh37 (hg19) VCF-style: chr6-129828719-A-G.
Other names: c.8777A>G, p.His2926Arg (NM_001079823.2); short protein forms H2926R, H2930R.
Identifiers: ClinVar variation 2144055 (VCV002144055.1), dbSNP rs201129835, ClinGen allele CA146925649.

ClinVar aggregate classification (germline): Uncertain significance (1 of 4 stars; one submission).

Conditions:
LAMA2-related muscular dystrophy (LAMA2-RD). Also called: Laminin alpha 2-related dystrophy. Identifiers: MedGen C5679788, MONDO:0100228.

Allele frequency attached by ClinVar (database versions not stated): gnomAD exomes below 0.00001; gnomAD 0.00001; TOPMed 0.00001.
gnomAD v4.1: 5 of 1,614,076 alleles (0.00031%); highest among the groups gnomAD compares: Non-Finnish European, 0.00042%; 1 homozygote.

Submission:

Labcorp Genetics (formerly Invitae), Labcorp
Classification: Uncertain significance for LAMA2-related muscular dystrophy. Last evaluated: 2021-09-24. Review status: criteria provided, single submitter. Criteria: Invitae Variant Classification Sherloc (09022015). Collection method: clinical testing. Allele origin: germline.
Comment: This sequence change replaces histidine with arginine at codon 2930 of the LAMA2 protein (p.His2930Arg). The histidine residue is weakly conserved and there is a small physicochemical difference between histidine and arginine. This variant is not present in population databases (ExAC no frequency). This variant has not been reported in the literature in individuals with LAMA2-related conditions. Advanced modeling of protein sequence and biophysical properties (such as structural, functional, and spatial information, amino acid conservation, physicochemical variation, residue mobility, and thermodynamic stability) performed at Invitae indicates that this missense variant is not expected to disrupt LAMA2 protein function. In summary, the available evidence is currently insufficient to determine the role of this variant in disease. Therefore, it has been classified as a Variant of Uncertain Significance.